The following is an entry in ClinVar:

ClinVar aggregate classification (germline): Likely benign (1 of 4 stars; one submission).

Conditions:
Familial cancer of breast. Also called: BREAST CANCER, FAMILIAL; Hereditary breast cancer; hereditary breast carcinoma. Identifiers: Orphanet 227535, MedGen C0346153, MONDO:0016419, OMIM 114480. Disease mechanism: loss of function.

Submission:

Myriad Genetics, Inc.
Classification: Likely benign for Familial cancer of breast. Last evaluated: 2024-04-23. Review status: criteria provided, single submitter. Criteria: Myriad Autosomal Dominant, Autosomal Recessive and X-Linked Classification Criteria (2023). Collection method: clinical testing. Allele origin: unknown.
Comment: This variant is considered likely benign. This variant is intronic and is not expected to impact mRNA splicing.

NM_000051.4(ATM):c.901+5A>G

Gene: ATM (ATM serine/threonine kinase; plus strand). Cytogenetic location: 11q22.3.
Variant type: single nucleotide variant.
Coding change: c.901+5A>G on transcript NM_000051.4 (MANE Select); 5 bases into the intron after coding-DNA position 901, A replaced by G.
Molecular consequence: intron variant.
Genome position (GRCh38, 1-based): chr11:108,245,031, A>G. VCF-style: chr11-108245031-A-G. GRCh37 (hg19) VCF-style: chr11-108115758-A-G.
Other names: c.901+5A>G (NM_001351834.2).
Identifiers: ClinVar variation 3253867 (VCV003253867.1), dbSNP rs2135244564.